The following is an entry in ClinVar:

NM_001276345.2(TNNT2):c.577C>T (p.His193Tyr)

Gene: TNNT2 (troponin T2, cardiac type; minus strand). Cytogenetic location: 1q32.1.
Variant type: single nucleotide variant.
Coding change: c.577C>T on transcript NM_001276345.2 (MANE Select); coding-DNA position 577, C replaced by T.
Protein change: p.His193Tyr; replaces histidine 193 with tyrosine.
Molecular consequence: missense variant.
Genome position (GRCh38, 1-based): chr1:201,363,319, G>A on the plus strand (C>T on the coding strand, the complement: TNNT2 is on the minus strand). VCF-style: chr1-201363319-G-A. GRCh37 (hg19) VCF-style: chr1-201332447-G-A.
Other names: c.577C>T, p.His193Tyr (NM_000364.4); c.547C>T, p.His183Tyr (NM_001001430.3, NM_001001431.3, NM_001276347.2); c.532C>T, p.His178Tyr (NM_001001432.3); c.457C>T, p.His153Tyr (NM_001276346.2); short protein forms H153Y, H178Y, H183Y, H193Y.
Identifiers: ClinVar variation 834548 (VCV000834548.4), dbSNP rs753292088, ClinGen allele CA088264.
Genomic context (GRCh38, chr1:201,363,319, plus strand): 5'-TAGGATCTCCTGGCAACCCCTGCTGCTCCCTACCTACCTTCTGGATGTAACCCCCAAAAT[G>A]CATCATGTTGGACAAAGCCTTCTTCTTCCGGGCCTCATCCTCAGCCTTCCTCCTGTTCTC-3'
Protein context (NP_001263274.1, residues 183-203): RKKKALSNMM[His193Tyr]FGGYIQKQAQ

ClinVar aggregate classification (germline): Uncertain significance (1 of 4 stars; one submission).

Conditions:
Hypertrophic cardiomyopathy 2. Also called: TNNT2-Related Familial Hypertrophic Cardiomyopathy. Identifiers: MedGen C1861864, MONDO:0007266, OMIM 115195.
Dilated cardiomyopathy 1D. Identifiers: Orphanet 154, Orphanet 54260, MedGen C1832243, MONDO:0011095, OMIM 601494.
Cardiomyopathy, familial restrictive, 3. Identifiers: Orphanet 75249, MedGen C2676271, MONDO:0012900, OMIM 612422.

Allele frequency attached by ClinVar (database versions not stated): gnomAD exomes below 0.00001; ExAC 0.00001.

Submission:

Labcorp Genetics (formerly Invitae), Labcorp
Classification: Uncertain significance for Cardiomyopathy, familial restrictive, 3; Hypertrophic cardiomyopathy 2; Dilated cardiomyopathy 1D. Last evaluated: 2023-04-19. Review status: criteria provided, single submitter. Criteria: Invitae Variant Classification Sherloc (09022015). Collection method: clinical testing. Allele origin: germline.
Comment: In summary, the available evidence is currently insufficient to determine the role of this variant in disease. Therefore, it has been classified as a Variant of Uncertain Significance. Advanced modeling of protein sequence and biophysical properties (such as structural, functional, and spatial information, amino acid conservation, physicochemical variation, residue mobility, and thermodynamic stability) performed at Invitae indicates that this missense variant is expected to disrupt TNNT2 protein function. ClinVar contains an entry for this variant (Variation ID: 834548). This variant has not been reported in the literature in individuals affected with TNNT2-related conditions. This variant is not present in population databases (gnomAD no frequency). This sequence change replaces histidine, which is basic and polar, with tyrosine, which is neutral and polar, at codon 183 of the TNNT2 protein (p.His183Tyr).